The following is an entry in ClinVar:

ClinVar aggregate classification (germline): Uncertain significance (1 of 4 stars; one submission).

Conditions:
ACOX2-related disorder. Also called: ACOX2-related condition.

gnomAD v4.1: 16 of 1,613,346 alleles (0.00099%); highest among the groups gnomAD compares: Non-Finnish European, 0.00025%; no homozygotes.

Submission:

PreventionGenetics, part of Exact Sciences
Classification: Uncertain significance for ACOX2-related condition. Last evaluated: 2025-07-08. Review status: criteria provided, single submitter. Criteria: ACMG Guidelines, 2015. Collection method: clinical testing. Allele origin: germline.
Comment: The ACOX2 c.1516G>A variant is predicted to result in the amino acid substitution p.Val506Met. To our knowledge, this variant has not been reported in the literature. This variant is reported in 0.0046% of alleles in individuals of European (Finnish) descent in gnomAD. At this time, the clinical significance of this variant is uncertain due to the absence of conclusive functional and genetic evidence.

NM_003500.4(ACOX2):c.1516G>A (p.Val506Met)

Gene: ACOX2 (acyl-CoA oxidase 2; minus strand). Cytogenetic location: 3p14.3.
Variant type: single nucleotide variant.
Coding change: c.1516G>A on transcript NM_003500.4 (MANE Select); coding-DNA position 1516, G replaced by A.
Protein change: p.Val506Met; replaces valine 506 with methionine.
Molecular consequence: missense variant.
Genome position (GRCh38, 1-based): chr3:58,524,436, C>T on the plus strand (G>A on the coding strand, the complement: ACOX2 is on the minus strand). VCF-style: chr3-58524436-C-T. GRCh37 (hg19) VCF-style: chr3-58510163-C-T.
Other names: short protein forms V506M.
Identifiers: ClinVar variation 5000688 (VCV005000688.1).